The following is an entry in ClinVar:

ClinVar aggregate classification (germline): Uncertain significance (1 of 4 stars; one submission).

Conditions:
JAG1-related disorder. Also called: JAG1-related condition; JAG1-related disorders.

gnomAD v4.1: 1 of 1,614,218 alleles (0.000062%); highest among the groups gnomAD compares: Non-Finnish European, 0.000085%; no homozygotes.

Submission:

PreventionGenetics, part of Exact Sciences
Classification: Uncertain significance for JAG1-related condition. Last evaluated: 2026-07-09. Review status: criteria provided, single submitter. Criteria: ACMG Guidelines, 2015. Collection method: clinical testing. Allele origin: germline.
Comment: The JAG1 c.3257T>C variant is predicted to result in the amino acid substitution p.Val1086Ala. To our knowledge, this variant has not been reported in the literature. This variant is reported in 0.00088% of alleles in individuals of European (Non-Finnish) descent in gnomAD. At this time, the clinical significance of this variant is uncertain due to the absence of conclusive functional and genetic evidence.

NM_000214.3(JAG1):c.3257T>C (p.Val1086Ala)

Gene: JAG1 (jagged canonical Notch ligand 1; minus strand). Cytogenetic location: 20p12.2.
Variant type: single nucleotide variant.
Coding change: c.3257T>C on transcript NM_000214.3 (MANE Select); coding-DNA position 3257, T replaced by C.
Protein change: p.Val1086Ala; replaces valine 1086 with alanine.
Molecular consequence: missense variant.
Genome position (GRCh38, 1-based): chr20:10,639,898, A>G on the plus strand (T>C on the coding strand, the complement: JAG1 is on the minus strand). VCF-style: chr20-10639898-A-G. GRCh37 (hg19) VCF-style: chr20-10620546-A-G.
Other names: short protein forms V1086A.
Identifiers: ClinVar variation 4984929 (VCV004984929.1).